The following is an entry in ClinVar:

NM_001267550.2(TTN):c.95353G>A (p.Val31785Ile)

Genes: TTN (titin; minus strand), TTN-AS1 (TTN antisense RNA 1; plus strand). Cytogenetic location: 2q31.2.
Variant type: single nucleotide variant.
Coding change: c.95353G>A on transcript NM_001267550.2 (MANE Select); coding-DNA position 95353, G replaced by A.
Protein change: p.Val31785Ile; replaces valine 31785 with isoleucine.
Molecular consequence: missense variant.
Genome position (GRCh38, 1-based): chr2:178,545,883, C>T on the plus strand (G>A on the coding strand, the complement: TTN is on the minus strand). VCF-style: chr2-178545883-C-T. GRCh37 (hg19) VCF-style: chr2-179410610-C-T.
Other names: c.90430G>A, p.Val30144Ile (NM_001256850.1); c.68158G>A, p.Val22720Ile (NM_003319.4); c.87649G>A, p.Val29217Ile (NM_133378.4); c.68533G>A, p.Val22845Ile (NM_133432.3); c.68734G>A, p.Val22912Ile (NM_133437.4); short protein forms V22912I, V30144I, V22720I, V22845I, V29217I, V31785I.
Identifiers: ClinVar variation 2041144 (VCV002041144.4), dbSNP rs755742174, ClinGen allele CA1986969.

ClinVar aggregate classification (germline): Uncertain significance (1 of 4 stars; one submission).

Conditions:
Dilated cardiomyopathy 1G (CMD1G). Identifiers: Orphanet 154, MedGen C1858763, MONDO:0011400, OMIM 604145.
Autosomal recessive limb-girdle muscular dystrophy type 2J (LGMDR10). Also called: MUSCULAR DYSTROPHY, LIMB-GIRDLE, AUTOSOMAL RECESSIVE 10; Limb-girdle muscular dystrophy, type 2J. Identifiers: Orphanet 140922, MedGen C1837342, MONDO:0012127, OMIM 608807.

Allele frequency attached by ClinVar (database versions not stated): ExAC 0.00001; gnomAD exomes 0.00001.
gnomAD v4.1: 12 of 1,613,876 alleles (0.00074%); highest among the groups gnomAD compares: South Asian, 0.0011%; no homozygotes.

Submission:

Labcorp Genetics (formerly Invitae), Labcorp
Classification: Uncertain significance for Dilated cardiomyopathy 1G; Autosomal recessive limb-girdle muscular dystrophy type 2J. Last evaluated: 2022-09-29. Review status: criteria provided, single submitter. Criteria: Invitae Variant Classification Sherloc (09022015). Collection method: clinical testing. Allele origin: germline.
Comment: Experimental studies and prediction algorithms are not available or were not evaluated, and the functional significance of this variant is currently unknown. This variant has not been reported in the literature in individuals affected with TTN-related conditions. This variant is present in population databases (rs755742174, gnomAD 0.003%). This sequence change replaces valine, which is neutral and non-polar, with isoleucine, which is neutral and non-polar, at codon 31785 of the TTN protein (p.Val31785Ile). In summary, the available evidence is currently insufficient to determine the role of this variant in disease. Therefore, it has been classified as a Variant of Uncertain Significance. This variant is located in the A band of TTN (PMID: 25589632). Variants in this region may be relevant for cardiac or neuromuscular disorders (PMID: 25589632, 23975875).

Literature cited by the submitters: PubMed 25589632; PubMed 23975875.